The following is an entry in ClinVar:

ClinVar aggregate classification (germline): Pathogenic (1 of 4 stars; one submission).

Conditions:
Sotos syndrome (SOTOS). Also called: Sotos' syndrome; CHROMOSOME 5q35 DELETION SYNDROME; SOTOS SYNDROME 1; CEREBRAL GIGANTISM; Distinctive facial appearance, overgrowth in childhood, and learning disabilities or delayed development. Identifiers: Orphanet 821, MedGen C0175695, MONDO:0019349, OMIM 117550.

Submission:

Centre for Mendelian Genomics, University Medical Centre Ljubljana
Classification: Pathogenic for Sotos syndrome. Last evaluated: 2018-11-14. Review status: criteria provided, single submitter. Criteria: ACMG Guidelines, 2015. Collection method: clinical testing. Allele origin: unknown. Affected: yes.
Comment: This variant was classified as: Pathogenic. The following ACMG criteria were applied in classifying this variant: PVS1,PM2,PP5.

NM_022455.5(NSD1):c.3172C>T (p.Gln1058Ter)

Gene: NSD1 (nuclear receptor binding SET domain protein 1; plus strand). Cytogenetic location: 5q35.3.
Variant type: single nucleotide variant.
Coding change: c.3172C>T on transcript NM_022455.5 (MANE Select); coding-DNA position 3172, C replaced by T.
Protein change: p.Gln1058Ter; replaces glutamine 1058 with a stop codon.
Molecular consequence: nonsense.
Genome position (GRCh38, 1-based): chr5:177,211,571, C>T. VCF-style: chr5-177211571-C-T. GRCh37 (hg19) VCF-style: chr5-176638572-C-T.
Other names: c.2299C>T, p.Gln767Ter (NM_001365684.2, NM_172349.5, NM_001409306.1 and 3 more transcripts); c.3172C>T, p.Gln1058Ter (NM_001409301.1, NM_001409302.1, NM_001409303.1); c.2752C>T, p.Gln918Ter (NM_001409304.1); c.2419C>T, p.Gln807Ter (NM_001409305.1); short protein forms Q789*, Q1058*, Q807*, Q918*, Q767*.
Identifiers: ClinVar variation 930994 (VCV000930994.4), dbSNP rs1763344725, ClinGen allele CA362322468.